The following is an entry in ClinVar:

ClinVar aggregate classification (germline): Uncertain significance (1 of 4 stars; one submission).

Submission:

Labcorp Genetics (formerly Invitae), Labcorp
Classification: Uncertain significance. Last evaluated: 2023-10-13. Review status: criteria provided, single submitter. Criteria: Invitae Variant Classification Sherloc (09022015). Collection method: clinical testing. Allele origin: germline.
Comment: This sequence change replaces glutamine, which is neutral and polar, with histidine, which is basic and polar, at codon 1437 of the COL11A2 protein (p.Gln1437His). This variant is not present in population databases (gnomAD no frequency). This variant has not been reported in the literature in individuals affected with COL11A2-related conditions. Advanced modeling of protein sequence and biophysical properties (such as structural, functional, and spatial information, amino acid conservation, physicochemical variation, residue mobility, and thermodynamic stability) performed at Invitae indicates that this missense variant is not expected to disrupt COL11A2 protein function. In summary, the available evidence is currently insufficient to determine the role of this variant in disease. Therefore, it has been classified as a Variant of Uncertain Significance.

NM_080680.3(COL11A2):c.4311G>C (p.Gln1437His)

Gene: COL11A2 (collagen type XI alpha 2 chain; minus strand). Cytogenetic location: 6p21.32.
Variant type: single nucleotide variant.
Coding change: c.4311G>C on transcript NM_080680.3 (MANE Select); coding-DNA position 4311, G replaced by C.
Protein change: p.Gln1437His; replaces glutamine 1437 with histidine.
Molecular consequence: missense variant.
Genome position (GRCh38, 1-based): chr6:33,166,747, C>G on the plus strand (G>C on the coding strand, the complement: COL11A2 is on the minus strand). VCF-style: chr6-33166747-C-G. GRCh37 (hg19) VCF-style: chr6-33134524-C-G.
Other names: c.4131G>C, p.Gln1377His (NM_001424108.1); c.3465G>C, p.Gln1155His (NM_001424109.1); c.3285G>C, p.Gln1095His (NM_001424110.1, NM_001424111.1); c.2265G>C, p.Gln755His (NM_001424112.1); c.3990G>C, p.Gln1330His (NM_080679.3); c.4053G>C, p.Gln1351His (NM_080681.3); short protein forms Q1155H, Q1437H, Q1095H, Q1351H, Q1377H, Q755H, Q1330H.
Identifiers: ClinVar variation 2766193 (VCV002766193.3), dbSNP rs2534529614, ClinGen allele CA363620478.
Genomic context (GRCh38, chr6:33,166,747, plus strand): 5'-CCCACAACTTCCGGGACCATGCCCTCTACTCACCATCTCACCCTTCTGCCCAGGGGAGCC[C>G]TGAGGCCCAGGAAGTCCCCGATCTCCCTTCTCTCCCTGCTCACCCGGGGGCCCAATCAGT-3'
Protein context (NP_542411.2, residues 1427-1447): EKGDRGLPGP[Gln1437His]GSPGQKGEMG